The following is an entry in ClinVar:

ClinVar aggregate classification (germline): Uncertain significance. Review status: criteria provided, multiple submitters, no conflicts (2 of 4 stars). 2 submissions from 2 submitters: Uncertain significance (2). Last evaluated 2024-03-15.

Conditions:
Inborn genetic diseases. Identifiers: MedGen C0950123, MeSH D030342.

Allele frequency attached by ClinVar (database versions not stated): gnomAD exomes 0.00001; ExAC 0.00002.
gnomAD v4.1: 4 of 1,613,006 alleles (0.00025%); highest among the groups gnomAD compares: South Asian, 0.0044%; no homozygotes.

Submissions (2):

Ambry Genetics
Classification: Uncertain significance for Inborn genetic diseases. Last evaluated: 2024-03-15. Review status: criteria provided, single submitter. Criteria: Ambry Variant Classification Scheme 2023. Collection method: clinical testing. Allele origin: germline.

Labcorp Genetics (formerly Invitae), Labcorp
Classification: Uncertain significance. Last evaluated: 2022-02-03. Review status: criteria provided, single submitter. Criteria: Invitae Variant Classification Sherloc (09022015). Collection method: clinical testing. Allele origin: germline.
Comment: In summary, the available evidence is currently insufficient to determine the role of this variant in disease. Therefore, it has been classified as a Variant of Uncertain Significance. Algorithms developed to predict the effect of missense changes on protein structure and function are either unavailable or do not agree on the potential impact of this missense change (SIFT: "Deleterious"; PolyPhen-2: "Probably Damaging"; Align-GVGD: "Class C0"). This variant has not been reported in the literature in individuals affected with OTOF-related conditions. This variant is present in population databases (rs779205233, gnomAD 0.01%). This sequence change replaces proline, which is neutral and non-polar, with leucine, which is neutral and non-polar, at codon 1121 of the OTOF protein (p.Pro1121Leu).

NM_194248.3(OTOF):c.3362C>T (p.Pro1121Leu)

Gene: OTOF (otoferlin; minus strand). Cytogenetic location: 2p23.3.
Variant type: single nucleotide variant.
Coding change: c.3362C>T on transcript NM_194248.3 (MANE Select); coding-DNA position 3362, C replaced by T.
Protein change: p.Pro1121Leu; replaces proline 1121 with leucine.
Molecular consequence: missense variant.
Genome position (GRCh38, 1-based): chr2:26,474,037, G>A on the plus strand (C>T on the coding strand, the complement: OTOF is on the minus strand). VCF-style: chr2-26474037-G-A. GRCh37 (hg19) VCF-style: chr2-26696905-G-A.
Other names: c.3362C>T, p.Pro1121Leu (NM_001287489.2); c.1121C>T, p.Pro374Leu (NM_004802.4, NM_194323.3); c.1292C>T, p.Pro431Leu (NM_194322.3); c.3362C>T (NM_194248.2); short protein forms P431L, P1121L, P374L.
Identifiers: ClinVar variation 1388399 (VCV001388399.7), dbSNP rs779205233, ClinGen allele CA1563578.